The following is an entry in ClinVar:

NM_024589.3(ROGDI):c.645+4A>C

Gene: ROGDI (rogdi atypical leucine zipper; minus strand). Cytogenetic location: 16p13.3.
Variant type: single nucleotide variant.
Coding change: c.645+4A>C on transcript NM_024589.3 (MANE Select); 4 bases into the intron after coding-DNA position 645, A replaced by C.
Molecular consequence: intron variant.
Genome position (GRCh38, 1-based): chr16:4,798,067, T>G on the plus strand (A>C on the coding strand, the complement: ROGDI is on the minus strand). VCF-style: chr16-4798067-T-G. GRCh37 (hg19) VCF-style: chr16-4848068-T-G.
Identifiers: ClinVar variation 666041 (VCV000666041.6), dbSNP rs1596274931, ClinGen allele CA915949105.

ClinVar aggregate classification (germline): Uncertain significance (1 of 4 stars; one submission).

Conditions:
Amelocerebrohypohidrotic syndrome (KTZS). Also called: Kohlschutter's syndrome; EPILEPSY AND YELLOW TEETH; EPILEPSY, DEMENTIA, AND AMELOGENESIS IMPERFECTA; KOHLSCHUTTER SYNDROME. Identifiers: Orphanet 1946, MedGen C0406740, MONDO:0009185, OMIM 226750.

Submission:

Labcorp Genetics (formerly Invitae), Labcorp
Classification: Uncertain significance for Amelocerebrohypohidrotic syndrome. Last evaluated: 2020-12-09. Review status: criteria provided, single submitter. Criteria: Invitae Variant Classification Sherloc (09022015). Collection method: clinical testing. Allele origin: germline.
Comment: In summary, the available evidence is currently insufficient to determine the role of this variant in disease. Therefore, it has been classified as a Variant of Uncertain Significance. Nucleotide substitutions within the consensus splice site are a relatively common cause of aberrant splicing (PMID: 17576681, 9536098). Algorithms developed to predict the effect of sequence changes on RNA splicing suggest that this variant is not likely to affect RNA splicing, but this prediction has not been confirmed by published transcriptional studies. This variant has not been reported in the literature in individuals with ROGDI-related disease. This variant is not present in population databases (ExAC no frequency). This sequence change falls in intron 8 of the ROGDI gene. It does not directly change the encoded amino acid sequence of the ROGDI protein, but it affects a nucleotide within the consensus splice site of the intron.

Literature cited by the submitters: PubMed 17576681; PubMed 9536098.